The following is an entry in ClinVar:

NM_000069.3(CACNA1S):c.4594C>T (p.His1532Tyr)

Gene: CACNA1S (calcium voltage-gated channel subunit alpha1 S; minus strand). Cytogenetic location: 1q32.1.
Variant type: single nucleotide variant.
Coding change: c.4594C>T on transcript NM_000069.3 (MANE Select); coding-DNA position 4594, C replaced by T.
Protein change: p.His1532Tyr; replaces histidine 1532 with tyrosine.
Molecular consequence: missense variant.
Genome position (GRCh38, 1-based): chr1:201,047,189, G>A on the plus strand (C>T on the coding strand, the complement: CACNA1S is on the minus strand). VCF-style: chr1-201047189-G-A. GRCh37 (hg19) VCF-style: chr1-201016317-G-A.
Other names: short protein forms H1532Y.
Identifiers: ClinVar variation 4757540 (VCV004757540.1).

ClinVar aggregate classification (germline): Uncertain significance (1 of 4 stars; one submission).

Conditions:
Malignant hyperthermia, susceptibility to, 5 (MHS5). Also called: CACNA1S-Related Malignant Hyperthermia Susceptibility. Identifiers: Orphanet 423, MedGen C1866077, MONDO:0011163, OMIM 601887.

Submission:

Color Diagnostics, LLC DBA Color Health
Classification: Uncertain significance for Malignant hyperthermia, susceptibility to, 5. Last evaluated: 2025-06-30. Review status: criteria provided, single submitter. Criteria: ACMG Guidelines, 2015. Collection method: clinical testing. Allele origin: germline.
Comment: This missense variant replaces histidine with tyrosine at codon 1532 of the CACNA1S protein. Computational prediction suggests that this variant may not impact protein structure and function. To our knowledge, functional studies have not been reported for this variant. This variant has not been reported in individuals affected with CACNA1S-related disorders in the literature. This variant has not been identified in the general population by the Genome Aggregation Database (gnomAD). The available evidence is insufficient to determine the role of this variant in disease conclusively. Therefore, this variant is classified as a Variant of Uncertain Significance.